The following is an entry in ClinVar:

NM_033100.4(CDHR1):c.1950C>T (p.Cys650=)

Gene: CDHR1 (cadherin related family member 1; plus strand). Cytogenetic location: 10q23.1.
Variant type: single nucleotide variant.
Coding change: c.1950C>T on transcript NM_033100.4 (MANE Select); coding-DNA position 1950, C replaced by T.
Protein change: p.Cys650=; no amino-acid change (cysteine 650 retained).
Molecular consequence: synonymous variant.
Genome position (GRCh38, 1-based): chr10:84,213,258, C>T. VCF-style: chr10-84213258-C-T. GRCh37 (hg19) VCF-style: chr10-85973014-C-T.
Other names: c.1950C>T, p.Cys650= (NM_001171971.3).
Identifiers: ClinVar variation 1089596 (VCV001089596.31), dbSNP rs137996315, ClinGen allele CA5580097.
Genomic context (GRCh38, chr10:84,213,258, plus strand): 5'-GCTCAAGAATTCCATCCGCTCCCTGGATGCCCTGCACAACATCACACCTGGAAGGGACTG[C>T]CTATGGTCCCTAGAGGTGCAGGCCAAGGACCGGGGCTCCCCATCCTTCAGCACCACAGCC-3'
Protein context (NP_149091.1, residues 640-660): ALHNITPGRD[Cys650=]LWSLEVQAKD

ClinVar aggregate classification (germline): Likely benign. Review status: criteria provided, multiple submitters, no conflicts (2 of 4 stars). 2 submissions from 2 submitters: Likely benign (2). Last evaluated 2023-03-01.

Allele frequency attached by ClinVar (database versions not stated): gnomAD 0.00001; TOPMed 0.00002; ESP Exome Variant Server 0.00008; gnomAD exomes below 0.00001; ExAC 0.00001.
gnomAD v4.1: 8 of 1,614,092 alleles (0.0005%); highest among the groups gnomAD compares: Non-Finnish European, 0.00068%; no homozygotes.

Submissions (2):

CeGaT Center for Human Genetics Tuebingen
Classification: Likely benign. Last evaluated: 2023-03-01. Review status: criteria provided, single submitter. Criteria: CeGaT Center For Human Genetics Tuebingen Variant Classification Criteria Version 2. Collection method: clinical testing. Allele origin: germline. Affected: yes. Observed: 1 variant allele.
Comment: CDHR1: BP4, BP7

Labcorp Genetics (formerly Invitae), Labcorp
Classification: Likely benign. Last evaluated: 2022-07-25. Review status: criteria provided, single submitter. Criteria: Invitae Variant Classification Sherloc (09022015). Collection method: clinical testing. Allele origin: germline.